The following is an entry in ClinVar:

NM_001376.5(DYNC1H1):c.4543-7C>G

Gene: DYNC1H1 (dynein cytoplasmic 1 heavy chain 1; plus strand). Cytogenetic location: 14q32.31.
Variant type: single nucleotide variant.
Coding change: c.4543-7C>G on transcript NM_001376.5 (MANE Select); 7 bases into the intron before coding-DNA position 4543, C replaced by G.
Molecular consequence: intron variant.
Genome position (GRCh38, 1-based): chr14:102,002,530, C>G. VCF-style: chr14-102002530-C-G. GRCh37 (hg19) VCF-style: chr14-102468867-C-G.
Identifiers: ClinVar variation 3905506 (VCV003905506.10).

ClinVar aggregate classification (germline): Uncertain significance (1 of 4 stars; one submission).

Submission:

CeGaT Center for Human Genetics Tuebingen
Classification: Uncertain significance. Last evaluated: 2025-05-01. Review status: criteria provided, single submitter. Criteria: CeGaT Center For Human Genetics Tuebingen Variant Classification Criteria Version 2. Collection method: clinical testing. Allele origin: germline. Affected: yes. Observed: 1 variant allele.
Comment: DYNC1H1: PM2, BP4